The following is an entry in ClinVar:

ClinVar aggregate classification (germline): Likely benign (1 of 4 stars; one submission).

Allele frequency attached by ClinVar (database versions not stated): gnomAD exomes below 0.00001.
gnomAD v4.1: 1 of 1,614,230 alleles (0.000062%); highest among the groups gnomAD compares: Admixed American, 0.0017%; no homozygotes.

Submission:

CeGaT Center for Human Genetics Tuebingen
Classification: Likely benign. Last evaluated: 2022-11-01. Review status: criteria provided, single submitter. Criteria: CeGaT Center For Human Genetics Tuebingen Variant Classification Criteria Version 2. Collection method: clinical testing. Allele origin: germline. Affected: yes. Observed: 1 variant allele.
Comment: HTR2A: BP4, BP7

NM_000621.5(HTR2A):c.471C>G (p.Leu157=)

Gene: HTR2A (5-hydroxytryptamine receptor 2A; minus strand). Cytogenetic location: 13q14.2.
Variant type: single nucleotide variant.
Coding change: c.471C>G on transcript NM_000621.5 (MANE Select); coding-DNA position 471, C replaced by G.
Protein change: p.Leu157=; no amino-acid change (leucine 157 retained).
Molecular consequence: synonymous variant. On other transcripts: 5 prime UTR variant (1).
Genome position (GRCh38, 1-based): chr13:46,892,532, G>C on the plus strand (C>G on the coding strand, the complement: HTR2A is on the minus strand). VCF-style: chr13-46892532-G-C. GRCh37 (hg19) VCF-style: chr13-47466667-G-C.
Other names: c.-19C>G (NM_001165947.5); c.471C>G, p.Leu157= (NM_001378924.1).
Identifiers: ClinVar variation 2643809 (VCV002643809.24), dbSNP rs909805204, ClinGen allele CA249259722.